The following is an entry in ClinVar:

NM_006946.4(SPTBN2):c.4554G>A (p.Lys1518=)

Gene: SPTBN2 (spectrin beta, non-erythrocytic 2; minus strand). Cytogenetic location: 11q13.2.
Variant type: single nucleotide variant.
Coding change: c.4554G>A on transcript NM_006946.4 (MANE Select); coding-DNA position 4554, G replaced by A.
Protein change: p.Lys1518=; no amino-acid change (lysine 1518 retained).
Molecular consequence: synonymous variant.
Genome position (GRCh38, 1-based): chr11:66,693,811, C>T on the plus strand (G>A on the coding strand, the complement: SPTBN2 is on the minus strand). VCF-style: chr11-66693811-C-T. GRCh37 (hg19) VCF-style: chr11-66461282-C-T.
Identifiers: ClinVar variation 734663 (VCV000734663.9), dbSNP rs773275271, ClinGen allele CA6128542.

ClinVar aggregate classification (germline): Likely benign. Review status: criteria provided, multiple submitters, no conflicts (2 of 4 stars). 2 submissions from 2 submitters: Likely benign (2). Last evaluated 2026-09-01.

Allele frequency attached by ClinVar (database versions not stated): gnomAD 0.00002; gnomAD exomes 0.00002 and 0.00009; ExAC 0.00009; TOPMed 0.00010.
gnomAD v4.1: 32 of 1,613,820 alleles (0.002%); highest among the groups gnomAD compares: Admixed American, 0.048%; no homozygotes.

Submissions (2):

CeGaT Center for Human Genetics Tuebingen
Classification: Likely benign. Last evaluated: 2026-09-01. Review status: criteria provided, single submitter. Criteria: CeGaT Center For Human Genetics Tuebingen Variant Classification Criteria Version 2. Collection method: clinical testing. Allele origin: germline. Affected: yes. Observed: 1 variant allele.
Comment: SPTBN2: BP4, BP7

Labcorp Genetics (formerly Invitae), Labcorp
Classification: Likely benign. Last evaluated: 2025-10-13. Review status: criteria provided, single submitter. Criteria: Invitae Variant Classification Sherloc (09022015). Collection method: clinical testing. Allele origin: germline.